The following is an entry in ClinVar:

NM_138296.3(PTCRA):c.446G>A (p.Trp149Ter)

Gene: PTCRA (pre T cell antigen receptor alpha; plus strand). Cytogenetic location: 6p21.1.
Variant type: single nucleotide variant.
Coding change: c.446G>A on transcript NM_138296.3 (MANE Select); coding-DNA position 446, G replaced by A.
Protein change: p.Trp149Ter; replaces tryptophan 149 with a stop codon.
Molecular consequence: nonsense.
Genome position (GRCh38, 1-based): chr6:42,925,282, G>A. VCF-style: chr6-42925282-G-A. GRCh37 (hg19) VCF-style: chr6-42893020-G-A.
Other names: PTCRA, TRP149TER (rs746826227); W149*; c.491G>A, p.Trp164Ter (NM_001243168.2); c.371G>A, p.Trp124Ter (NM_001243169.2); c.125G>A, p.Trp42Ter (NM_001243170.2); short protein forms W124*, W164*, W42*.
Identifiers: ClinVar variation 3338634 (VCV003338634.3).

ClinVar aggregate classification (germline): Likely pathogenic. Review status: criteria provided, single submitter (1 of 4 stars). 2 submissions from 2 submitters: Likely pathogenic (1). 1 of the submissions does not count toward it. Last evaluated 2026-05-01.

Conditions:
Immunodeficiency 126, susceptibility to. Identifiers: MedGen C5975362, MONDO:0975761, OMIM 620931.

Submissions (2):

CeGaT Center for Human Genetics Tuebingen
Classification: Likely pathogenic. Last evaluated: 2026-05-01. Review status: criteria provided, single submitter. Criteria: CeGaT Center For Human Genetics Tuebingen Variant Classification Criteria Version 2. Collection method: clinical testing. Allele origin: germline. Affected: yes. Observed: 1 variant allele.
Comment: PTCRA: PVS1:Strong, PM2, PM3

OMIM
Classification: risk factor for IMMUNODEFICIENCY 126, SUSCEPTIBILITY TO. Last evaluated: 2024-09-04. Review status: no assertion criteria provided. Collection method: literature only. Allele origin: germline. Not counted in ClinVar's aggregate classification.

Literature cited by the submitters: PubMed 38422122 (cited by OMIM); Hamosh, A. Personal Communication. 2024. Baltimore, Md. (cited by OMIM).